The following is an entry in ClinVar:

NM_014915.3(ANKRD26):c.2857A>G (p.Asn953Asp)

Gene: ANKRD26 (ankyrin repeat domain 26; minus strand). Cytogenetic location: 10p12.1.
Variant type: single nucleotide variant.
Coding change: c.2857A>G on transcript NM_014915.3 (MANE Select); coding-DNA position 2857, A replaced by G.
Protein change: p.Asn953Asp; replaces asparagine 953 with aspartic acid.
Molecular consequence: missense variant.
Genome position (GRCh38, 1-based): chr10:27,035,593, T>C on the plus strand (A>G on the coding strand, the complement: ANKRD26 is on the minus strand). VCF-style: chr10-27035593-T-C. GRCh37 (hg19) VCF-style: chr10-27324522-T-C.
Other names: c.2854A>G, p.Asn952Asp (NM_001256053.2); short protein forms N952D, N953D.
Identifiers: ClinVar variation 2394848 (VCV002394848.7), dbSNP rs778133635, ClinGen allele CA5448132.

ClinVar aggregate classification (germline): Uncertain significance. Review status: criteria provided, multiple submitters, no conflicts (2 of 4 stars). 3 submissions from 3 submitters: Uncertain significance (3). Last evaluated 2024-12-24.

Conditions:
Inborn genetic diseases. Identifiers: MedGen C0950123, MeSH D030342.
Thrombocytopenia 2 (THC2). Also called: ANKRD26-Related Thrombocytopenia. Identifiers: Orphanet 268322, MedGen C1861185, MONDO:0008555, OMIM 188000.

Allele frequency attached by ClinVar (database versions not stated): gnomAD exomes below 0.00001; ExAC 0.00002.
gnomAD v4.1: 6 of 1,606,948 alleles (0.00037%); highest among the groups gnomAD compares: Admixed American, 0.0051%; no homozygotes.

Submissions (3):

Ambry Genetics
Classification: Uncertain significance for Inborn genetic diseases. Last evaluated: 2024-12-24. Review status: criteria provided, single submitter. Criteria: Ambry Variant Classification Scheme 2023. Collection method: clinical testing. Allele origin: germline.
Comment: The p.N953D variant (also known as c.2857A>G), located in coding exon 24 of the ANKRD26 gene, results from an A to G substitution at nucleotide position 2857. The asparagine at codon 953 is replaced by aspartic acid, an amino acid with highly similar properties. This amino acid position is conserved. In addition, this alteration is predicted to be tolerated by in silico analysis. Based on the available evidence, the clinical significance of this variant remains unclear.

ARUP Laboratories, Molecular Genetics and Genomics, ARUP Laboratories
Classification: Uncertain significance for Thrombocytopenia 2. Last evaluated: 2024-08-26. Review status: criteria provided, single submitter. Criteria: ARUP Molecular Germline Variant Investigation Process 2024. Collection method: clinical testing. Allele origin: germline.
Comment: The ANKRD26 c.2857A>G; p.Asn953Asp variant (rs778133635), to our knowledge, is not reported in the medical literature but is reported in ClinVar (Variation ID: 2394848). This variant is only observed on two alleles in the Genome Aggregation Database (v2.1.1), indicating it is not a common polymorphism. Computational analyses predict that this variant is neutral (REVEL: 0.092). Due to limited information, the clinical significance of this variant is uncertain at this time.

Labcorp Genetics (formerly Invitae), Labcorp
Classification: Uncertain significance. Last evaluated: 2024-06-15. Review status: criteria provided, single submitter. Criteria: Invitae Variant Classification Sherloc (09022015). Collection method: clinical testing. Allele origin: germline.
Comment: This sequence change replaces asparagine, which is neutral and polar, with aspartic acid, which is acidic and polar, at codon 953 of the ANKRD26 protein (p.Asn953Asp). This variant is present in population databases (rs778133635, gnomAD 0.006%). This variant has not been reported in the literature in individuals affected with ANKRD26-related conditions. ClinVar contains an entry for this variant (Variation ID: 2394848). An algorithm developed to predict the effect of missense changes on protein structure and function (PolyPhen-2) suggests that this variant is likely to be disruptive. In summary, the available evidence is currently insufficient to determine the role of this variant in disease. Therefore, it has been classified as a Variant of Uncertain Significance.